The following is an entry in ClinVar:

ClinVar aggregate classification (germline): Uncertain significance (1 of 4 stars; one submission).

Conditions:
Nephronophthisis 9 (NPHP9). Identifiers: Orphanet 655, MedGen C3151188, MONDO:0013444, OMIM 613824.

Submission:

Labcorp Genetics (formerly Invitae), Labcorp
Classification: Uncertain significance for Nephronophthisis 9. Last evaluated: 2025-05-10. Review status: criteria provided, single submitter. Criteria: Invitae Variant Classification Sherloc (09022015). Collection method: clinical testing. Allele origin: germline.
Comment: This sequence change replaces isoleucine, which is neutral and non-polar, with phenylalanine, which is neutral and non-polar, at codon 298 of the NEK8 protein (p.Ile298Phe). This variant is present in population databases (no rsID available, gnomAD 0.002%). This variant has not been reported in the literature in individuals affected with NEK8-related conditions. An algorithm developed to predict the effect of missense changes on protein structure and function (PolyPhen-2) suggests that this variant is likely to be tolerated. In summary, the available evidence is currently insufficient to determine the role of this variant in disease. Therefore, it has been classified as a Variant of Uncertain Significance.

NM_178170.3(NEK8):c.892A>T (p.Ile298Phe)

Gene: NEK8 (NIMA related kinase 8; plus strand). Cytogenetic location: 17q11.2.
Variant type: single nucleotide variant.
Coding change: c.892A>T on transcript NM_178170.3 (MANE Select); coding-DNA position 892, A replaced by T.
Protein change: p.Ile298Phe; replaces isoleucine 298 with phenylalanine.
Molecular consequence: missense variant.
Genome position (GRCh38, 1-based): chr17:28,737,821, A>T. VCF-style: chr17-28737821-A-T. GRCh37 (hg19) VCF-style: chr17-27064839-A-T.
Other names: short protein forms I298F.
Identifiers: ClinVar variation 4738884 (VCV004738884.1).